The following is an entry in ClinVar:

ClinVar aggregate classification (germline): Benign/Likely benign. Review status: criteria provided, multiple submitters, no conflicts (2 of 4 stars). 3 submissions from 3 submitters: Benign (1); Likely benign (2). Last evaluated 2025-01-30.

Conditions:
Hereditary nonpolyposis colorectal neoplasms. Identifiers: MedGen C0009405, MeSH D003123.
Hereditary cancer-predisposing syndrome. Also called: Hereditary Cancer Syndrome; Hereditary neoplastic syndrome; Neoplastic Syndromes, Hereditary; Tumor predisposition. Identifiers: Orphanet 140162, MedGen C0027672, MeSH D009386, MONDO:0015356.
Lynch syndrome 4 (LYNCH4). Also called: Hereditary non-polyposis colorectal cancer, type 4; Colorectal cancer, hereditary nonpolyposis, type 4. Identifiers: Orphanet 144, MedGen C1838333, MONDO:0013699, OMIM 614337. Disease mechanism: loss of function.

Submissions (3):

Myriad Genetics, Inc.
Classification: Benign for Lynch syndrome 4. Last evaluated: 2025-01-30. Review status: criteria provided, single submitter. Criteria: Myriad Autosomal Dominant, Autosomal Recessive and X-Linked Classification Criteria (2023). Collection method: clinical testing. Allele origin: unknown.
Comment: This variant is considered benign. This variant is a silent/synonymous amino acid change and it is not expected to impact splicing.

Labcorp Genetics (formerly Invitae), Labcorp
Classification: Likely benign for Hereditary nonpolyposis colorectal neoplasms. Last evaluated: 2023-02-20. Review status: criteria provided, single submitter. Criteria: Invitae Variant Classification Sherloc (09022015). Collection method: clinical testing. Allele origin: germline.

Ambry Genetics
Classification: Likely benign for Hereditary cancer-predisposing syndrome. Last evaluated: 2019-07-17. Review status: criteria provided, single submitter. Criteria: Ambry Variant Classification Scheme 2023. Collection method: clinical testing. Allele origin: germline.

NM_000535.7(PMS2):c.1443C>G (p.Pro481=)

Gene: PMS2 (PMS1 homolog 2, mismatch repair system component; minus strand). Cytogenetic location: 7p22.1.
Variant type: single nucleotide variant.
Coding change: c.1443C>G on transcript NM_000535.7 (MANE Select); coding-DNA position 1443, C replaced by G.
Protein change: p.Pro481=; no amino-acid change (proline 481 retained).
Molecular consequence: synonymous variant. On other transcripts: non-coding transcript variant (1), intron variant (1).
Genome position (GRCh38, 1-based): chr7:5,987,322, G>C on the plus strand (C>G on the coding strand, the complement: PMS2 is on the minus strand). VCF-style: chr7-5987322-G-C. GRCh37 (hg19) VCF-style: chr7-6026953-G-C.
Other names: c.1038C>G, p.Pro346= (NM_001018040.1, NM_001322003.2, NM_001322004.2 and 17 more transcripts); c.1287C>G, p.Pro429= (NM_001322006.2, NM_001406870.1); c.1125C>G, p.Pro375= (NM_001322007.2, NM_001322008.2, NM_001406876.1 and 2 more transcripts); c.882C>G, p.Pro294= (NM_001322010.2, NM_001406906.1, NM_001406907.1); c.510C>G, p.Pro170= (NM_001322011.2, NM_001322012.2); c.870C>G, p.Pro290= (NM_001322013.2, NM_001406909.1); c.1443C>G, p.Pro481= (NM_001322014.2, NM_001406871.1, NM_001406872.1); c.1134C>G, p.Pro378= (NM_001322015.2, NM_001406875.1, NM_001406877.1 and 5 more transcripts); and 13 more.
Identifiers: ClinVar variation 1772743 (VCV001772743.6), dbSNP rs2128730531, ClinGen allele CA453746362.
Genomic context (GRCh38, chr7:5,987,322, plus strand): 5'-CACGGAAGTGCTGCCGTGCCCCGAGTCCTTCTCCACCTCCGCTCTGTCCGTAGGGTCACT[G>C]GGTCCGTGACTGGAACTCACTGCCTCTTTCTGAGGTCTCAGGACGCCTTTGTCAGAGATG-3'
Protein context (NP_000526.2, residues 471-491): QKEAVSSSHG[Pro481=]SDPTDRAEVE